The following is an entry in ClinVar:

ClinVar aggregate classification (germline): Conflicting classifications of pathogenicity. Review status: criteria provided, conflicting classifications (1 of 4 stars). 13 submissions from 12 submitters: Uncertain significance (3); Likely benign (8). 2 of the submissions do not count toward it. Last evaluated 2026-06-08.

Conditions:
DSP-related disorder. Also called: DSP-related condition; DSP-related disorders.
Lethal acantholytic epidermolysis bullosa (EBLA). Identifiers: Orphanet 158687, MedGen C1864826, MONDO:0012323, OMIM 609638.
Cardiomyopathy, dilated, with wooly hair, keratoderma, and tooth agenesis. Also called: Erythrokeratodermia-cardiomyopathy syndrome; Cardiomyopathy, dilated, with woolly hair, keratoderma, and tooth agenesis. Identifiers: Orphanet 476096, Orphanet 65282, MedGen C4014393, MONDO:0014355, OMIM 615821.
Keratosis palmoplantaris striata 2. Also called: Keratosis palmoplantaris striata II; KERATODERMA, PALMOPLANTAR, STRIATE FORM II; STRIATE PALMOPLANTAR KERATODERMA II. Identifiers: MedGen C1852127, MONDO:0013034, OMIM 612908.
Arrhythmogenic right ventricular dysplasia 8 (ARVD8). Also called: ARRHYTHMOGENIC RIGHT VENTRICULAR CARDIOMYOPATHY 8; ARRHYTHMOGENIC RIGHT VENTRICULAR DYSPLASIA, FAMILIAL, 8; Arrhythmogenic Right Ventricular Dysplasia/Cardiomyopathy 8. Identifiers: MedGen C1843896, MONDO:0011831, OMIM 607450.
Arrhythmogenic cardiomyopathy with wooly hair and keratoderma. Also called: Dilated cardiomyopathy with woolly hair and keratoderma; PALMOPLANTAR KERATODERMA WITH LEFT VENTRICULAR CARDIOMYOPATHY AND WOOLLY HAIR; Arrhythmogenic cardiomyopathy with woolly hair and keratoderma; Carvajal syndrome. Identifiers: Orphanet 65282, MedGen C1854063, MONDO:0011581, OMIM 605676.
Cardiovascular phenotype. Identifiers: MedGen CN230736.
Cardiomyopathy (CMYO). Also called: Cardiomyopathies. Identifiers: Orphanet 167848, MedGen C0878544, MONDO:0004994, HP:0001638. Inheritance: Various modes of inheritance.
Sudden death. Identifiers: MedGen C0011071, HP:0001699.
Left ventricular hypertrophy. Identifiers: MedGen C0149721, HP:0001712.

Allele frequency attached by ClinVar (database versions not stated): gnomAD exomes 0.00005 and 0.00010; ESP Exome Variant Server 0.00008; ExAC 0.00010; 1000 Genomes Project 30x 0.00031; 1000 Genomes Project 0.00040; gnomAD 0.00042 and 0.00043; TOPMed 0.00042.
gnomAD v4.1: 137 of 1,614,168 alleles (0.0085%); highest among the groups gnomAD compares: African/African-American, 0.16%; 1 homozygote.

Submissions (13):

Women's Health and Genetics/Laboratory Corporation of America, LabCorp
Classification: Likely benign. Last evaluated: 2026-06-08. Review status: criteria provided, single submitter. Criteria: LabCorp Variant Classification Summary - May 2015. Collection method: clinical testing. Allele origin: germline.
Comment: Variant summary: DSP c.2683T>C (p.Tyr895His) results in a conservative amino acid change in the encoded protein sequence. Algorithms developed to predict the effect of missense changes on protein structure and function are either unavailable or do not agree on the potential impact of this missense change. The variant allele was found at a frequency of 9.9e-05 in 251300 control chromosomes, predominantly at a frequency of 0.0014 within the African or African-American subpopulation in the gnomAD database. The observed variant frequency within African or African-American control individuals in the gnomAD database exceeds the estimated maximal expected allele frequency for disease-causing variants in DSP. c.2683T>C has been reported in the literature in an individual affected with DCM, without strong evidence for causality (Haskell_2017). The report does not provide unequivocal conclusions about association of the variant with disease. To our knowledge, no experimental evidence demonstrating an impact on protein function has been reported. The following publication have been ascertained in the context of this evaluation (PMID: 28611029). ClinVar contains an entry for this variant (Variation ID: 265103). Based on the evidence outlined above, the variant was classified as likely benign.

Labcorp Genetics (formerly Invitae), Labcorp
Classification: Likely benign for Arrhythmogenic cardiomyopathy with wooly hair and keratoderma; Arrhythmogenic right ventricular dysplasia 8. Last evaluated: 2026-01-14. Review status: criteria provided, single submitter. Criteria: Invitae Variant Classification Sherloc (09022015). Collection method: clinical testing. Allele origin: germline.

PreventionGenetics, part of Exact Sciences
Classification: Likely benign for DSP-related condition. Last evaluated: 2025-03-31. Review status: criteria provided, single submitter. Criteria: ACMG Guidelines, 2015. Collection method: clinical testing. Allele origin: germline.
Comment: This variant is classified as likely benign based on ACMG/AMP sequence variant interpretation guidelines (Richards et al. 2015 PMID: 25741868, with internal and published modifications).

Molecular Diagnostic Laboratory for Inherited Cardiovascular Disease, Montreal Heart Institute
Classification: Likely benign. Last evaluated: 2025-02-17. Review status: criteria provided, single submitter. Criteria: ACMG Guidelines, 2015. Collection method: clinical testing. Allele origin: germline. Affected: no.

All of Us Research Program, National Institutes of Health
Classification: Likely benign for Arrhythmogenic cardiomyopathy with wooly hair and keratoderma. Last evaluated: 2024-09-23. Review status: criteria provided, single submitter. Criteria: ACMG Guidelines, 2015. Collection method: clinical testing. Allele origin: germline. Inheritance: Autosomal dominant inheritance. Observed: 37 variant alleles, 37 heterozygotes.
Comment: This study involves interpretation of variants in research participants for the purpose of population health screening. Participant phenotype was not available at the time of variant classification. Additional details can be found in publication PMID: 35346344, PMCID: PMC8962531

Blueprint Genetics
Classification: Uncertain significance. Last evaluated: 2024-03-26. Review status: criteria provided, single submitter. Criteria: ACMG Guidelines, 2015. Collection method: clinical testing. Allele origin: germline.

Ambry Genetics
Classification: Likely benign for Cardiovascular phenotype. Last evaluated: 2021-01-07. Review status: criteria provided, single submitter. Criteria: Ambry Variant Classification Scheme 2023. Collection method: clinical testing. Allele origin: germline.

GeneDx
Classification: Likely benign. Last evaluated: 2020-03-12. Review status: criteria provided, single submitter. Criteria: GeneDx Variant Classification Process June 2021. Collection method: clinical testing. Allele origin: germline. Affected: yes.
Comment: This variant is associated with the following publications: (PMID: 28611029)

Color Diagnostics, LLC DBA Color Health
Classification: Likely benign for Cardiomyopathy. Last evaluated: 2019-11-19. Review status: criteria provided, single submitter. Criteria: ACMG Guidelines, 2015. Collection method: clinical testing. Allele origin: germline.

Laboratory for Molecular Medicine, Mass General Brigham Personalized Medicine
Classification: Uncertain significance. Last evaluated: 2017-12-15. Review status: criteria provided, single submitter. Criteria: LMM Criteria. Collection method: clinical testing. Allele origin: germline. Observed: 1 variant allele.
Comment: Variant classified as Uncertain Significance - Favor Benign. The p.Tyr895His var iant in DSP has been reported in 1 individual with DCM (Haskell 2017). It has be en identified in 0.14% (34/24034) of African chromosomes by the Genome Aggregati on Database (gnomAD; dbSNP rs375891215). This variant has also been reported in ClinVar (Variation ID:265103). Computational p rediction tools and conservation analysis do not provide strong support for or a gainst an impact to the protein. In summary, while the clinical significance of the p.Tyr895His variant is uncertain, its frequency suggests that it is more lik ely to be benign. ACMG/AMP Criteria applied: BS1.

Center for Genomics, Ann and Robert H. Lurie Children's Hospital of Chicago
Classification: Uncertain significance for Arrhythmogenic right ventricular dysplasia 8; Lethal acantholytic epidermolysis bullosa; Keratosis palmoplantaris striata 2; Cardiomyopathy, dilated, with wooly hair, keratoderma, and tooth agenesis; Arrhythmogenic cardiomyopathy with wooly hair and keratoderma. Review status: criteria provided, single submitter. Criteria: ACMG Guidelines, 2015. Collection method: clinical testing. Allele origin: germline.
Comment: DSP NM_004415.3 exon 19 p.Tyr895His (c.2683T>C): This variant has been reported in the literature in one individual with DCM (Haskell 2017 PMID:28611029). This variant is also present in 0.1% (33/24972) of African alleles in the Genome Aggregation Database and is present in ClinVar (Variation ID:265103). Evolutionary conservation and computational predictive tools suggest that this variant may impact the protein. In summary, data on this variant is insufficient for disease classification. Therefore, the clinical significance of this variant is uncertain

Clinical Molecular Genetics Laboratory, Johns Hopkins All Children's Hospital
Classification: Uncertain significance for Sudden death. Last evaluated: 2017-06-16. Review status: no assertion criteria provided. Collection method: clinical testing. Allele origin: germline. Affected: yes. Not counted in ClinVar's aggregate classification.

Clinical Molecular Genetics Laboratory, Johns Hopkins All Children's Hospital
Classification: Uncertain significance for Left ventricular hypertrophy. Last evaluated: 2015-11-04. Review status: no assertion criteria provided. Collection method: clinical testing. Allele origin: germline. Affected: yes. Not counted in ClinVar's aggregate classification.

Literature cited by the submitters: PubMed 28611029 (cited by 3 submitters); PubMed 29802319 (cited by Ambry Genetics); PubMed 30847666 (cited by Ambry Genetics).

NM_004415.4(DSP):c.2683T>C (p.Tyr895His)

Gene: DSP (desmoplakin; plus strand). Cytogenetic location: 6p24.3.
Variant type: single nucleotide variant.
Coding change: c.2683T>C on transcript NM_004415.4 (MANE Select); coding-DNA position 2683, T replaced by C.
Protein change: p.Tyr895His; replaces tyrosine 895 with histidine.
Molecular consequence: missense variant.
Genome position (GRCh38, 1-based): chr6:7,576,346, T>C. VCF-style: chr6-7576346-T-C. GRCh37 (hg19) VCF-style: chr6-7576579-T-C.
Other names: c.2683T>C, p.Tyr895His (NM_001008844.3, NM_001319034.2); short protein forms Y895H.
Identifiers: ClinVar variation 265103 (VCV000265103.28), dbSNP rs375891215, ClinGen allele CA034624.